The following is an entry in ClinVar:

ClinVar aggregate classification (germline): Conflicting classifications of pathogenicity. Review status: criteria provided, conflicting classifications (1 of 4 stars). 8 submissions from 8 submitters: Uncertain significance (4); Likely benign (4). Last evaluated 2026-01-19.

Conditions:
CACNA1D-related disorder.
Inborn genetic diseases. Identifiers: MedGen C0950123, MeSH D030342.

Allele frequency attached by ClinVar (database versions not stated): TOPMed 0.00031; gnomAD exomes 0.00045 and 0.00050; ExAC 0.00049; ESP Exome Variant Server 0.00062; gnomAD 0.00069 and 0.00073.
gnomAD v4.1: 820 of 1,610,574 alleles (0.051%); highest among the groups gnomAD compares: Non-Finnish European, 0.064%; no homozygotes.

Submissions (8):

Labcorp Genetics (formerly Invitae), Labcorp
Classification: Likely benign. Last evaluated: 2026-01-19. Review status: criteria provided, single submitter. Criteria: Invitae Variant Classification Sherloc (09022015). Collection method: clinical testing. Allele origin: germline.

Mayo Clinic Laboratories, Mayo Clinic
Classification: Uncertain significance. Last evaluated: 2025-10-16. Review status: criteria provided, single submitter. Criteria: ACMG Guidelines, 2015. Collection method: clinical testing. Allele origin: germline. Observed: 2 variant alleles.
Comment: BS1, PP2

Laboratory of Genetics, Children's Clinical University Hospital Latvia
Classification: Likely benign. Last evaluated: 2025-02-16. Review status: criteria provided, single submitter. Criteria: ACMG Guidelines, 2015. Collection method: clinical testing. Allele origin: germline. Affected: yes.

Blueprint Genetics
Classification: Likely benign. Last evaluated: 2024-10-30. Review status: criteria provided, single submitter. Criteria: ACMG Guidelines, 2015. Collection method: clinical testing. Allele origin: germline.

PreventionGenetics, part of Exact Sciences
Classification: Uncertain significance for CACNA1D-related condition. Last evaluated: 2022-11-09. Review status: criteria provided, single submitter. Criteria: ACMG Guidelines, 2015. Collection method: clinical testing. Allele origin: germline.
Comment: The CACNA1D c.5077G>A variant is predicted to result in the amino acid substitution p.Glu1693Lys. To our knowledge, this variant has not been reported in the literature. This variant is reported in 0.13% of alleles in individuals of European (Non-Finnish) descent in gnomAD. Although we suspect that this variant may be benign, at this time, the clinical significance of this variant is uncertain due to the absence of conclusive functional and genetic evidence.

Revvity Omics, Revvity
Classification: Uncertain significance. Last evaluated: 2022-05-06. Review status: criteria provided, single submitter. Criteria: ACMG Guidelines, 2015. Collection method: clinical testing. Allele origin: germline.

Ambry Genetics
Classification: Uncertain significance for Inborn genetic diseases. Last evaluated: 2021-09-17. Review status: criteria provided, single submitter. Criteria: Ambry Variant Classification Scheme 2023. Collection method: clinical testing. Allele origin: germline.

GeneDx
Classification: Likely benign. Last evaluated: 2019-12-26. Review status: criteria provided, single submitter. Criteria: GeneDx Variant Classification Process June 2021. Collection method: clinical testing. Allele origin: germline. Affected: yes.

NM_001128840.3(CACNA1D):c.5017G>A (p.Glu1673Lys)

Gene: CACNA1D (calcium voltage-gated channel subunit alpha1 D; plus strand). Cytogenetic location: 3p21.1.
Variant type: single nucleotide variant.
Coding change: c.5017G>A on transcript NM_001128840.3 (MANE Select); coding-DNA position 5017, G replaced by A.
Protein change: p.Glu1673Lys; replaces glutamic acid 1673 with lysine.
Molecular consequence: missense variant.
Genome position (GRCh38, 1-based): chr3:53,800,342, G>A. VCF-style: chr3-53800342-G-A. GRCh37 (hg19) VCF-style: chr3-53834369-G-A.
Other names: p.Glu1693Lys; c.5077G>A (NM_000720.3); c.5077G>A, p.Glu1693Lys (NM_000720.4); c.4972G>A, p.Glu1658Lys (NM_001128839.3); short protein forms E1658K, E1673K, E1693K.
Identifiers: ClinVar variation 1201626 (VCV001201626.18), dbSNP rs147973409, ClinGen allele CA2455057.